The following is an entry in ClinVar:

NM_001077418.3(TMEM231):c.871G>C (p.Val291Leu)

Gene: TMEM231 (transmembrane protein 231; minus strand). Cytogenetic location: 16q23.1.
Variant type: single nucleotide variant.
Coding change: c.871G>C on transcript NM_001077418.3 (MANE Select); coding-DNA position 871, G replaced by C.
Protein change: p.Val291Leu; replaces valine 291 with leucine.
Molecular consequence: missense variant. On other transcripts: non-coding transcript variant (1).
Genome position (GRCh38, 1-based): chr16:75,540,074, C>G on the plus strand (G>C on the coding strand, the complement: TMEM231 is on the minus strand). VCF-style: chr16-75540074-C-G. GRCh37 (hg19) VCF-style: chr16-75573972-C-G.
Other names: c.1030G>C, p.Val344Leu (NM_001077416.2); short protein forms V291L, V344L.
Identifiers: ClinVar variation 2180516 (VCV002180516.2), dbSNP rs373660568, ClinGen allele CA396802551.

ClinVar aggregate classification (germline): Uncertain significance (1 of 4 stars; one submission).

Conditions:
Meckel syndrome, type 11 (MKS11). Identifiers: Orphanet 564, MedGen C3809352, MONDO:0014164, OMIM 615397.
Joubert syndrome 20 (JBTS20). Identifiers: Orphanet 475, MedGen C3554235, MONDO:0013994, OMIM 614970.

gnomAD v4.1: 3 of 1,613,794 alleles (0.00019%); highest among the groups gnomAD compares: Admixed American, 0.0017%; no homozygotes.

Submission:

Labcorp Genetics (formerly Invitae), Labcorp
Classification: Uncertain significance for Joubert syndrome 20; Meckel syndrome, type 11. Last evaluated: 2025-07-14. Review status: criteria provided, single submitter. Criteria: Invitae Variant Classification Sherloc (09022015). Collection method: clinical testing. Allele origin: germline.
Comment: This sequence change replaces valine, which is neutral and non-polar, with leucine, which is neutral and non-polar, at codon 344 of the TMEM231 protein (p.Val344Leu). This variant is present in population databases (no rsID available, gnomAD 0.003%). This variant has not been reported in the literature in individuals affected with TMEM231-related conditions. ClinVar contains an entry for this variant (Variation ID: 2180516). Experimental studies and prediction algorithms are not available or were not evaluated, and the functional significance of this variant is currently unknown. In summary, the available evidence is currently insufficient to determine the role of this variant in disease. Therefore, it has been classified as a Variant of Uncertain Significance.